The following is an entry in ClinVar:

NM_001243925.2(MAPKAPK3):c.814G>A (p.Glu272Lys)

Gene: MAPKAPK3 (MAPK activated protein kinase 3; plus strand). Cytogenetic location: 3p21.2.
Variant type: single nucleotide variant.
Coding change: c.814G>A on transcript NM_001243925.2 (MANE Select); coding-DNA position 814, G replaced by A.
Protein change: p.Glu272Lys; replaces glutamic acid 272 with lysine.
Molecular consequence: missense variant.
Genome position (GRCh38, 1-based): chr3:50,646,249, G>A. VCF-style: chr3-50646249-G-A. GRCh37 (hg19) VCF-style: chr3-50683680-G-A.
Other names: c.814G>A, p.Glu272Lys (NM_001243926.2, NM_004635.5); short protein forms E272K.
Identifiers: ClinVar variation 1055273 (VCV001055273.5), dbSNP rs750304055, ClinGen allele CA2420369.

ClinVar aggregate classification (germline): Uncertain significance (1 of 4 stars; one submission).

Allele frequency attached by ClinVar (database versions not stated): gnomAD exomes 0.00004 and 0.00007; gnomAD 0.00005; TOPMed 0.00005; ExAC 0.00010.
gnomAD v4.1: 72 of 1,614,040 alleles (0.0045%); highest among the groups gnomAD compares: Middle Eastern, 0.082%; no homozygotes.

Submission:

Labcorp Genetics (formerly Invitae), Labcorp
Classification: Uncertain significance. Last evaluated: 2025-01-06. Review status: criteria provided, single submitter. Criteria: Invitae Variant Classification Sherloc (09022015). Collection method: clinical testing. Allele origin: germline.
Comment: This sequence change replaces glutamic acid, which is acidic and polar, with lysine, which is basic and polar, at codon 272 of the MAPKAPK3 protein (p.Glu272Lys). This variant is present in population databases (rs750304055, gnomAD 0.01%). This variant has not been reported in the literature in individuals affected with MAPKAPK3-related conditions. ClinVar contains an entry for this variant (Variation ID: 1055273). An algorithm developed to predict the effect of missense changes on protein structure and function (PolyPhen-2) suggests that this variant is likely to be tolerated. In summary, the available evidence is currently insufficient to determine the role of this variant in disease. Therefore, it has been classified as a Variant of Uncertain Significance.